The following is an entry in ClinVar:

ClinVar aggregate classification (germline): Uncertain significance. Review status: criteria provided, multiple submitters, no conflicts (2 of 4 stars). 2 submissions from 2 submitters: Uncertain significance (2). Last evaluated 2025-12-24.

Conditions:
Inborn genetic diseases. Identifiers: MedGen C0950123, MeSH D030342.

gnomAD v4.1: 13 of 1,613,970 alleles (0.00081%); highest among the groups gnomAD compares: East Asian, 0.0067%; no homozygotes.

Submissions (2):

Labcorp Genetics (formerly Invitae), Labcorp
Classification: Uncertain significance. Last evaluated: 2025-12-24. Review status: criteria provided, single submitter. Criteria: Invitae Variant Classification Sherloc (09022015). Collection method: clinical testing. Allele origin: germline.
Comment: This sequence change replaces leucine, which is neutral and non-polar, with valine, which is neutral and non-polar, at codon 70 of the FOCAD protein (p.Leu70Val). This variant is not present in population databases (gnomAD no frequency). This variant has not been reported in the literature in individuals affected with FOCAD-related conditions. ClinVar contains an entry for this variant (Variation ID: 4258876). Experimental studies and prediction algorithms are not available or were not evaluated, and the functional significance of this variant is currently unknown. In summary, the available evidence is currently insufficient to determine the role of this variant in disease. Therefore, it has been classified as a Variant of Uncertain Significance.

Ambry Genetics
Classification: Uncertain significance for Inborn genetic diseases. Last evaluated: 2025-08-06. Review status: criteria provided, single submitter. Criteria: Ambry Variant Classification Scheme 2023. Collection method: clinical testing. Allele origin: germline.

NM_001375567.1(FOCAD):c.208C>G (p.Leu70Val)

Gene: FOCAD (focadhesin; plus strand). Cytogenetic location: 9p21.3.
Variant type: single nucleotide variant.
Coding change: c.208C>G on transcript NM_001375567.1 (MANE Select); coding-DNA position 208, C replaced by G.
Protein change: p.Leu70Val; replaces leucine 70 with valine.
Molecular consequence: missense variant.
Genome position (GRCh38, 1-based): chr9:20,720,455, C>G. VCF-style: chr9-20720455-C-G. GRCh37 (hg19) VCF-style: chr9-20720454-C-G.
Other names: c.208C>G, p.Leu70Val (NM_001375568.1, NM_001375570.1, NM_017794.5); short protein forms L70V.
Identifiers: ClinVar variation 4258876 (VCV004258876.2).